The following is an entry in ClinVar:

NM_005431.2(XRCC2):c.621A>T (p.Glu207Asp)

Gene: XRCC2 (X-ray repair cross complementing 2; minus strand). Cytogenetic location: 7q36.1.
Variant type: single nucleotide variant.
Coding change: c.621A>T on transcript NM_005431.2 (MANE Select); coding-DNA position 621, A replaced by T.
Protein change: p.Glu207Asp; replaces glutamic acid 207 with aspartic acid.
Molecular consequence: missense variant.
Genome position (GRCh38, 1-based): chr7:152,648,864, T>A on the plus strand (A>T on the coding strand, the complement: XRCC2 is on the minus strand). VCF-style: chr7-152648864-T-A. GRCh37 (hg19) VCF-style: chr7-152345949-T-A.
Other names: short protein forms E207D.
Identifiers: ClinVar variation 1752255 (VCV001752255.2), dbSNP rs2485880874, ClinGen allele CA370198303.

ClinVar aggregate classification (germline): Uncertain significance (1 of 4 stars; one submission).

Conditions:
Hereditary cancer-predisposing syndrome. Also called: Hereditary Cancer Syndrome; Hereditary neoplastic syndrome; Neoplastic Syndromes, Hereditary; Tumor predisposition. Identifiers: Orphanet 140162, MedGen C0027672, MeSH D009386, MONDO:0015356.

Submission:

Ambry Genetics
Classification: Uncertain significance for Hereditary cancer-predisposing syndrome. Last evaluated: 2022-03-21. Review status: criteria provided, single submitter. Criteria: Ambry Variant Classification Scheme 2023. Collection method: clinical testing. Allele origin: germline.
Comment: The p.E207D variant (also known as c.621A>T), located in coding exon 3 of the XRCC2 gene, results from an A to T substitution at nucleotide position 621. The glutamic acid at codon 207 is replaced by aspartic acid, an amino acid with highly similar properties. This amino acid position is conserved. In addition, this alteration is predicted to be tolerated by in silico analysis. Since supporting evidence is limited at this time, the clinical significance of this alteration remains unclear.